The following is an entry in ClinVar:

ClinVar aggregate classification (germline): Uncertain significance (0 of 4 stars; one submission).

Conditions:
SYNE2-related disorder. Also called: SYNE2-related condition.

Submission:

PreventionGenetics, part of Exact Sciences
Classification: Uncertain significance for SYNE2-related condition. Last evaluated: 2024-09-06. Review status: no assertion criteria provided. Collection method: clinical testing. Allele origin: germline.
Comment: The SYNE2 c.12065A>C variant is predicted to result in the amino acid substitution p.Glu4022Ala. To our knowledge, this variant has not been reported in the literature or in a large population database, indicating this variant is rare. At this time, the clinical significance of this variant is uncertain due to the absence of conclusive functional and genetic evidence.

NM_182914.3(SYNE2):c.12065A>C (p.Glu4022Ala)

Gene: SYNE2 (spectrin repeat containing nuclear envelope protein 2; plus strand). Cytogenetic location: 14q23.2.
Variant type: single nucleotide variant.
Coding change: c.12065A>C on transcript NM_182914.3 (MANE Select); coding-DNA position 12065, A replaced by C.
Protein change: p.Glu4022Ala; replaces glutamic acid 4022 with alanine.
Molecular consequence: missense variant.
Genome position (GRCh38, 1-based): chr14:64,093,437, A>C. VCF-style: chr14-64093437-A-C. GRCh37 (hg19) VCF-style: chr14-64560155-A-C.
Other names: c.12065A>C, p.Glu4022Ala (NM_015180.6); short protein forms E4022A.
Identifiers: ClinVar variation 3356372 (VCV003356372.1).